The following is an entry in ClinVar:

ClinVar aggregate classification (germline): Pathogenic. Review status: no assertion criteria provided (0 of 4 stars). 2 submissions from 2 submitters: Pathogenic (1). 1 of the submissions does not count toward it. Last evaluated 2002-12-13.

Conditions:
Familial long QT syndrome (RWS). Also called: Romano-Ward syndrome; VENTRICULAR FIBRILLATION WITH PROLONGED QT INTERVAL; Congenital long QT syndrome. Identifiers: Orphanet 768, MedGen C1141890, MONDO:0019171.
Long QT syndrome 2 (LQT2). Identifiers: Orphanet 101016, Orphanet 768, MedGen C3150943, MONDO:0013367, OMIM 613688.

Submissions (2):

OMIM
Classification: Pathogenic for LONG QT SYNDROME 2. Last evaluated: 2002-12-13. Review status: no assertion criteria provided. Collection method: literature only. Allele origin: germline.

Cardiovascular Biomedical Research Unit, Royal Brompton & Harefield NHS Foundation Trust
No classification provided. Condition: Familial long QT syndrome. Review status: no classification provided. Collection method: literature only. Allele origin: germline. Not counted in ClinVar's aggregate classification.
Comment: This variant has been reported as associated with Long QT syndrome in the following publications (PMID:12354768;PMID:15840476;PMID:16922724;PMID:21661061). This is a literature report, and does not necessarily reflect the clinical interpretation of the Imperial College / Royal Brompton Cardiovascular Genetics laboratory.

Literature cited by the submitters: PubMed 12354768 (cited by OMIM and Cardiovascular Biomedical Research Unit, Royal Brompton & Harefield NHS Foundation Trust); PubMed 15840476 (cited by Cardiovascular Biomedical Research Unit, Royal Brompton & Harefield NHS Foundation Trust); PubMed 16922724 (cited by Cardiovascular Biomedical Research Unit, Royal Brompton & Harefield NHS Foundation Trust); PubMed 21661061 (cited by Cardiovascular Biomedical Research Unit, Royal Brompton & Harefield NHS Foundation Trust); PubMed 22581653 (cited by Cardiovascular Biomedical Research Unit, Royal Brompton & Harefield NHS Foundation Trust).

NM_000238.4(KCNH2):c.193A>C (p.Thr65Pro)

Gene: KCNH2 (potassium voltage-gated channel subfamily H member 2; minus strand). Cytogenetic location: 7q36.1.
Variant type: single nucleotide variant.
Coding change: c.193A>C on transcript NM_000238.4 (MANE Select); coding-DNA position 193, A replaced by C.
Protein change: p.Thr65Pro; replaces threonine 65 with proline.
Molecular consequence: missense variant.
Genome position (GRCh38, 1-based): chr7:150,974,825, T>G on the plus strand (A>C on the coding strand, the complement: KCNH2 is on the minus strand). VCF-style: chr7-150974825-T-G. GRCh37 (hg19) VCF-style: chr7-150671913-T-G.
Other names: c.193A>C (LRG_288t1); c.16A>C, p.Thr6Pro (NM_001406755.1); c.193A>C, p.Thr65Pro (NM_172056.3); short protein forms T65P, T6P.
Identifiers: ClinVar variation 14434 (VCV000014434.3), dbSNP rs121912511, ClinGen allele CA006061.